The following is an entry in ClinVar:

ClinVar aggregate classification (germline): Uncertain significance (1 of 4 stars; one submission).

Submission:

Ambry Genetics
Classification: Uncertain significance. Last evaluated: 2026-06-16. Review status: criteria provided, single submitter. Criteria: Ambry Variant Classification Scheme 2023. Collection method: clinical testing. Allele origin: germline.
Comment: The p.W220C variant (also known as c.660G>C), located in coding exon 5 of the RINT1 gene, results from a G to C substitution at nucleotide position 660. The tryptophan at codon 220 is replaced by cysteine, an amino acid with highly dissimilar properties. This amino acid position is conserved. In addition, this alteration is predicted to be deleterious by in silico analysis. Based on the available evidence, the clinical significance of this variant remains unclear.

NM_021930.6(RINT1):c.660G>C (p.Trp220Cys)

Gene: RINT1 (RAD50 interactor 1; plus strand). Cytogenetic location: 7q22.3.
Variant type: single nucleotide variant.
Coding change: c.660G>C on transcript NM_021930.6 (MANE Select); coding-DNA position 660, G replaced by C.
Protein change: p.Trp220Cys; replaces tryptophan 220 with cysteine.
Molecular consequence: missense variant. On other transcripts: 5 prime UTR variant (2), non-coding transcript variant (1), intron variant (1).
Genome position (GRCh38, 1-based): chr7:105,547,054, G>C. VCF-style: chr7-105547054-G-C. GRCh37 (hg19) VCF-style: chr7-105187501-G-C.
Other names: c.-263G>C (NM_001346601.2); c.-27-3001G>C (NM_001346603.2); c.426G>C, p.Trp142Cys (NM_001346599.2); c.-360G>C (NM_001346600.2); short protein forms W220C, W142C.
Identifiers: ClinVar variation 5028261 (VCV005028261.1).